The following is an entry in ClinVar:

ClinVar aggregate classification (germline): Benign (0 of 4 stars; one submission).

Conditions:
EPPK1-related disorder. Also called: EPPK1-related condition.

Allele frequency attached by ClinVar (database versions not stated): gnomAD exomes 0.00144; ExAC 0.00368; gnomAD 0.01341; ESP Exome Variant Server 0.01358; 1000 Genomes Project 0.01438; 1000 Genomes Project 30x 0.01577.

Submission:

PreventionGenetics, part of Exact Sciences
Classification: Benign for EPPK1-related condition. Last evaluated: 2021-04-14. Review status: no assertion criteria provided. Collection method: clinical testing. Allele origin: germline.
Comment: This variant is classified as benign based on ACMG/AMP sequence variant interpretation guidelines (Richards et al. 2015 PMID: 25741868, with internal and published modifications).

NM_031308.4(EPPK1):c.1668_1679dup (p.Phe560_Ser561insArgValThrPhe)

Gene: EPPK1 (epiplakin 1; minus strand). Cytogenetic location: 8q24.3.
Variant type: Duplication.
Coding change: c.1668_1679dup on transcript NM_031308.4 (MANE Select); coding-DNA positions 1668 to 1679, 12 bases duplicated (CAGGGTCACCTT).
Protein change: p.Phe560_Ser561insArgValThrPhe.
Molecular consequence: inframe indel (on NM_031308.3).
Genome position (GRCh38, 1-based): chr8:143,871,575-143,871,586, AAGGTGACCCTG duplicated on the plus strand (CAGGGTCACCTT on the coding strand, the reverse complement: EPPK1 is on the minus strand). VCF-style (leftmost placement, unchanged base first): chr8-143871574-A-AAAGGTGACCCTG. GRCh37 (hg19) VCF-style: chr8-144945742-A-AAAGGTGACCCTG.
Other names: c.1668_1679dup12 (NM_031308.3).
Identifiers: ClinVar variation 3052718 (VCV003052718.2), dbSNP rs199724348, ClinGen allele CA4923294.